The following is an entry in ClinVar:

ClinVar aggregate classification (germline): Uncertain significance. Review status: criteria provided, multiple submitters, no conflicts (2 of 4 stars). 5 submissions from 5 submitters: Uncertain significance (5). Last evaluated 2026-02-15.

Conditions:
Inborn genetic diseases. Identifiers: MedGen C0950123, MeSH D030342.
Mitochondrial complex IV deficiency, nuclear type 1 (MC4DN1). Also called: Complex 4 mitochondrial respiratory chain deficiency; Deficiency of mitochondrial respiratory chain complex4; Complex IV deficiency; COX DEFICIENCY; Mitochondrial complex IV deficiency. Identifiers: MedGen C5435656, MONDO:0700250, OMIM 220110. Disease mechanism: loss of function.
Charcot-Marie-Tooth disease type 4K. Also called: CHARCOT-MARIE-TOOTH DISEASE, DEMYELINATING, AUTOSOMAL RECESSIVE, TYPE 4K; CHARCOT-MARIE-TOOTH NEUROPATHY, DEMYELINATING, AUTOSOMAL RECESSIVE, TYPE 4K; CHARCOT-MARIE-TOOTH DISEASE, DEMYELINATING, TYPE 4K. Identifiers: Orphanet 391351, MedGen C4225246, MONDO:0014733, OMIM 616684.
Leigh syndrome (NULS). Also called: LEIGH SYNDROME, NUCLEAR; Leigh's necrotizing encephalopathy; Leigh's disease; Leigh Syndrome (mtDNA deletion); Leigh's syndrome; Leigh Disease. Identifiers: Orphanet 506, MedGen C2931891, MONDO:0009723, OMIM 256000.

Allele frequency attached by ClinVar (database versions not stated): TOPMed 0.00003; gnomAD 0.00004 and 0.00005.
gnomAD v4.1: 47 of 1,613,800 alleles (0.0029%); highest among the groups gnomAD compares: East Asian, 0.018%; no homozygotes.

Submissions (5):

GeneDx
Classification: Uncertain significance. Last evaluated: 2026-02-15. Review status: criteria provided, single submitter. Criteria: GeneDx Variant Classification Process June 2021. Collection method: clinical testing. Allele origin: germline.
Comment: Not observed at significant frequency in large population cohorts (gnomAD); In silico analysis supports that this missense variant has a deleterious effect on protein structure/function; Has not been previously published as pathogenic or benign to our knowledge

Ambry Genetics
Classification: Uncertain significance for Inborn genetic diseases. Last evaluated: 2025-09-25. Review status: criteria provided, single submitter. Criteria: Ambry Variant Classification Scheme 2023. Collection method: clinical testing. Allele origin: germline.

Labcorp Genetics (formerly Invitae), Labcorp
Classification: Uncertain significance for Leigh syndrome. Last evaluated: 2022-08-15. Review status: criteria provided, single submitter. Criteria: Invitae Variant Classification Sherloc (09022015). Collection method: clinical testing. Allele origin: germline.
Comment: This sequence change replaces aspartic acid, which is acidic and polar, with asparagine, which is neutral and polar, at codon 170 of the SURF1 protein (p.Asp170Asn). This variant is present in population databases (rs782358655, gnomAD 0.01%). This variant has not been reported in the literature in individuals affected with SURF1-related conditions. ClinVar contains an entry for this variant (Variation ID: 1176911). Algorithms developed to predict the effect of missense changes on protein structure and function (SIFT, PolyPhen-2, Align-GVGD) all suggest that this variant is likely to be tolerated. In summary, the available evidence is currently insufficient to determine the role of this variant in disease. Therefore, it has been classified as a Variant of Uncertain Significance.

Fulgent Genetics
Classification: Uncertain significance for Mitochondrial complex IV deficiency, nuclear type 1; Charcot-Marie-Tooth disease type 4K. Last evaluated: 2022-03-21. Review status: criteria provided, single submitter. Criteria: ACMG Guidelines, 2015. Collection method: clinical testing. Allele origin: unknown.

CeGaT Center for Human Genetics Tuebingen
Classification: Uncertain significance. Last evaluated: 2021-04-01. Review status: criteria provided, single submitter. Criteria: CeGaT Center For Human Genetics Tuebingen Variant Classification Criteria Version 2. Collection method: clinical testing. Allele origin: germline. Affected: yes. Observed: 3 variant alleles.

NM_003172.4(SURF1):c.508G>A (p.Asp170Asn)

Gene: SURF1 (SURF1 cytochrome c oxidase assembly factor; minus strand). Cytogenetic location: 9q34.2.
Variant type: single nucleotide variant.
Coding change: c.508G>A on transcript NM_003172.4 (MANE Select); coding-DNA position 508, G replaced by A.
Protein change: p.Asp170Asn; replaces aspartic acid 170 with asparagine.
Molecular consequence: missense variant.
Genome position (GRCh38, 1-based): chr9:133,353,756, C>T on the plus strand (G>A on the coding strand, the complement: SURF1 is on the minus strand). VCF-style: chr9-133353756-C-T. GRCh37 (hg19) VCF-style: chr9-136220611-C-T.
Other names: c.508G>A (NM_003172.2); c.181G>A, p.Asp61Asn (NM_001280787.1); short protein forms D170N, D61N.
Identifiers: ClinVar variation 1176911 (VCV001176911.36), dbSNP rs782358655, ClinGen allele CA200832952.